The following is an entry in ClinVar:

ClinVar aggregate classification (germline): Uncertain significance (1 of 4 stars; one submission).

Conditions:
Bloom syndrome (BLM). Also called: Bloom-Torre-Machacek syndrome. Identifiers: Orphanet 125, MedGen C0005859, MONDO:0008876, OMIM 210900.

Allele frequency attached by ClinVar (database versions not stated): gnomAD exomes below 0.00001 and 0.00001; ExAC 0.00002.
gnomAD v4.1: 2 of 1,614,130 alleles (0.00012%); highest among the groups gnomAD compares: South Asian, 0.0022%; no homozygotes.

Submission:

Labcorp Genetics (formerly Invitae), Labcorp
Classification: Uncertain significance for Bloom syndrome. Last evaluated: 2026-01-11. Review status: criteria provided, single submitter. Criteria: Invitae Variant Classification Sherloc (09022015). Collection method: clinical testing. Allele origin: germline.
Comment: This sequence change replaces serine, which is neutral and polar, with phenylalanine, which is neutral and non-polar, at codon 1342 of the BLM protein (p.Ser1342Phe). This variant is present in population databases (rs761200006, gnomAD 0.006%). This variant has not been reported in the literature in individuals affected with BLM-related conditions. ClinVar contains an entry for this variant (Variation ID: 848759). Invitae Evidence Modeling of protein sequence and biophysical properties (such as structural, functional, and spatial information, amino acid conservation, physicochemical variation, residue mobility, and thermodynamic stability) indicates that this missense variant is not expected to disrupt BLM protein function with a negative predictive value of 80%. In summary, the available evidence is currently insufficient to determine the role of this variant in disease. Therefore, it has been classified as a Variant of Uncertain Significance.

NM_000057.4(BLM):c.4025C>T (p.Ser1342Phe)

Gene: BLM (BLM RecQ like helicase; plus strand). Cytogenetic location: 15q26.1.
Variant type: single nucleotide variant.
Coding change: c.4025C>T on transcript NM_000057.4 (MANE Select); coding-DNA position 4025, C replaced by T.
Protein change: p.Ser1342Phe; replaces serine 1342 with phenylalanine.
Molecular consequence: missense variant.
Genome position (GRCh38, 1-based): chr15:90,811,355, C>T. VCF-style: chr15-90811355-C-T. GRCh37 (hg19) VCF-style: chr15-91354585-C-T.
Other names: c.4025C>T, p.Ser1342Phe (NM_001287246.2); c.3632C>T, p.Ser1211Phe (NM_001287247.2); c.2900C>T, p.Ser967Phe (NM_001287248.2); short protein forms S967F, S1342F, S1211F.
Identifiers: ClinVar variation 848759 (VCV000848759.10), dbSNP rs761200006, ClinGen allele CA7739176.
Genomic context (GRCh38, chr15:90,811,355, plus strand): 5'-CTTCCCACTACTTTGCAAGTAAAACCAGAAATGAAAGGAAGAGGAAAAAGATGCCAGCCT[C>T]CCAAAGGTCTAAGAGGAGAAAAACTGCTTCCAGTGGTTCCAAGGCAAAGGGGTATGTTTT-3'
Protein context (NP_000048.1, residues 1332-1352): NERKRKKMPA[Ser1342Phe]QRSKRRKTAS